The following is an entry in ClinVar:

ClinVar aggregate classification (germline): Uncertain significance (1 of 4 stars; one submission).

Submission:

GeneDx
Classification: Uncertain significance. Last evaluated: 2026-02-28. Review status: criteria provided, single submitter. Criteria: GeneDx Variant Classification Process June 2021. Collection method: clinical testing. Allele origin: germline.
Comment: Not observed at significant frequency in large population cohorts (gnomAD); In-frame deletion of 1 amino acid in a non-repeat region; In silico analysis supports a deleterious effect on protein structure/function; Has not been previously published as pathogenic or benign to our knowledge

NM_001348323.3(TRIP12):c.1160GAG[1] (p.Gly388del)

Gene: TRIP12 (thyroid hormone receptor interactor 12; minus strand). Cytogenetic location: 2q36.3.
Variant type: Microsatellite.
Coding change: c.1160GAG[1] on transcript NM_001348323.3 (MANE Select); one copy of the 3-base unit GAG starting at c.1160; the reference has two copies in a row; one copy, 3 bases deleted.
Protein change: p.Gly388del; deletes glycine 388.
Molecular consequence: inframe deletion.
Genome position (GRCh38, 1-based): chr2:229,836,953-229,836,955, CTC deleted on the plus strand (GAG on the coding strand, the reverse complement: TRIP12 is on the minus strand); deleting any 3 consecutive bases within chr2:229,836,953-229,836,958 gives the same sequence; the position shown is the placement nearest the transcript's 3' end. VCF-style (leftmost placement, unchanged base first): chr2-229836952-GCTC-G. GRCh37 (hg19) VCF-style: chr2-230701668-GCTC-G.
Other names: c.1160GAG[1], p.Gly388del (NM_001284214.2, NM_001348315.2, NM_001348319.1 and 13 more transcripts); c.1034GAG[1], p.Gly346del (NM_001284215.2, NM_001348316.2, NM_001348317.1 and 3 more transcripts); c.125GAG[1], p.Gly43del (NM_001284216.2); c.1073GAG[1], p.Gly359del (NM_001348332.1, NM_001348334.1); short protein forms G388del, G359del, G43del, G346del.
Identifiers: ClinVar variation 5008047 (VCV005008047.1).